The following is an entry in ClinVar:

NM_002382.5(MAX):c.419C>G (p.Ser140Cys)

Gene: MAX (MYC associated transcriptional regulator X; minus strand). Cytogenetic location: 14q23.3.
Variant type: single nucleotide variant.
Coding change: c.419C>G on transcript NM_002382.5 (MANE Select); coding-DNA position 419, C replaced by G.
Protein change: p.Ser140Cys; replaces serine 140 with cysteine.
Molecular consequence: missense variant. On other transcripts: 3 prime UTR variant (1), intron variant (2).
Genome position (GRCh38, 1-based): chr14:65,076,540, G>C on the plus strand (C>G on the coding strand, the complement: MAX is on the minus strand). VCF-style: chr14-65076540-G-C. GRCh37 (hg19) VCF-style: chr14-65543258-G-C.
Other names: c.230C>G, p.Ser77Cys (NM_001320415.2, NM_001407105.1, NM_001407106.1 and 1 more transcripts); c.419C>G, p.Ser140Cys (NM_001407094.1); c.392C>G, p.Ser131Cys (NM_001407095.1, NM_145112.3); c.*192C>G (NM_001407096.1, NM_001407099.1, NM_001407102.1 and 2 more transcripts); c.*208C>G (NM_001407097.1, NM_001407100.1, NM_001407101.1 and 4 more transcripts); c.311C>G, p.Ser104Cys (NM_001407098.1); c.218C>G, p.Ser73Cys (NM_001407111.1, NM_001407112.1); c.144+17168C>G (NM_001271069.2); and 1 more; short protein forms S77C, S140C, S104C, S131C, S73C.
Identifiers: ClinVar variation 1738615 (VCV001738615.2), dbSNP rs2504173635, ClinGen allele CA390031433.
Genomic context (GRCh38, chr14:65,076,540, plus strand): 5'-CTGGCCTCCATCCGGAGCTTCTTCCTGCTTTGGGGCTCTTCAGGCTCAGACTCCGAGCTG[G>C]AGTCCGAGCCCCCATCGAAGGCAGAGATGGTGCTGCCCTTGGCGTTGGTGTAGAGGCTGT-3'
Protein context (NP_002373.3, residues 130-150): TISAFDGGSD[Ser140Cys]SSESEPEEPQ

ClinVar aggregate classification (germline): Uncertain significance (1 of 4 stars; one submission).

Conditions:
Hereditary cancer-predisposing syndrome. Also called: Hereditary Cancer Syndrome; Hereditary neoplastic syndrome; Neoplastic Syndromes, Hereditary; Tumor predisposition. Identifiers: Orphanet 140162, MedGen C0027672, MeSH D009386, MONDO:0015356.

Submission:

Ambry Genetics
Classification: Uncertain significance for Hereditary cancer-predisposing syndrome. Last evaluated: 2022-06-21. Review status: criteria provided, single submitter. Criteria: Ambry Variant Classification Scheme 2023. Collection method: clinical testing. Allele origin: germline.
Comment: The p.S140C variant (also known as c.419C>G), located in coding exon 5 of the MAX gene, results from a C to G substitution at nucleotide position 419. The serine at codon 140 is replaced by cysteine, an amino acid with dissimilar properties. This amino acid position is well conserved in available vertebrate species. In addition, this alteration is predicted to be tolerated by in silico analysis. Since supporting evidence is limited at this time, the clinical significance of this alteration remains unclear.